The following is an entry in ClinVar:

ClinVar aggregate classification (germline): Likely benign (0 of 4 stars; one submission).

Conditions:
ZFHX3-related disorder. Also called: ZFHX3-related condition.

Allele frequency attached by ClinVar (database versions not stated): gnomAD exomes 0.00001; ExAC 0.00002; TOPMed 0.00002.
gnomAD v4.1: 5 of 1,604,238 alleles (0.00031%); highest among the groups gnomAD compares: Admixed American, 0.0084%; no homozygotes.

Submission:

PreventionGenetics, part of Exact Sciences
Classification: Likely benign for ZFHX3-related condition. Last evaluated: 2020-01-20. Review status: no assertion criteria provided. Collection method: clinical testing. Allele origin: germline.
Comment: This variant is classified as likely benign based on ACMG/AMP sequence variant interpretation guidelines (Richards et al. 2015 PMID: 25741868, with internal and published modifications).

NM_006885.4(ZFHX3):c.8346T>G (p.Gly2782=)

Genes: ZFHX3 (zinc finger homeobox 3; minus strand), ZFHX3-AS1 (ZFHX3 antisense RNA 1; plus strand). Cytogenetic location: 16q22.2.
Variant type: single nucleotide variant.
Coding change: c.8346T>G on transcript NM_006885.4 (MANE Select); coding-DNA position 8346, T replaced by G.
Protein change: p.Gly2782=; no amino-acid change (glycine 2782 retained).
Molecular consequence: synonymous variant.
Genome position (GRCh38, 1-based): chr16:72,794,336, A>C on the plus strand (T>G on the coding strand, the complement: ZFHX3 is on the minus strand). VCF-style: chr16-72794336-A-C. GRCh37 (hg19) VCF-style: chr16-72828235-A-C.
Other names: c.5604T>G, p.Gly1868= (NM_001164766.2); c.8346T>G, p.Gly2782= (NM_001386735.1).
Identifiers: ClinVar variation 3051150 (VCV003051150.2), dbSNP rs759375939, ClinGen allele CA8163065.